The following is an entry in ClinVar:

NM_004415.4(DSP):c.5414G>A (p.Cys1805Tyr)

Gene: DSP (desmoplakin; plus strand). Cytogenetic location: 6p24.3.
Variant type: single nucleotide variant.
Coding change: c.5414G>A on transcript NM_004415.4 (MANE Select); coding-DNA position 5414, G replaced by A.
Protein change: p.Cys1805Tyr; replaces cysteine 1805 with tyrosine.
Molecular consequence: missense variant.
Genome position (GRCh38, 1-based): chr6:7,582,676, G>A. VCF-style: chr6-7582676-G-A. GRCh37 (hg19) VCF-style: chr6-7582909-G-A.
Other names: c.5414G>A (LRG_423t1); c.3617G>A, p.Cys1206Tyr (NM_001008844.3); c.4085G>A, p.Cys1362Tyr (NM_001319034.2); short protein forms C1805Y, C1206Y, C1362Y.
Identifiers: ClinVar variation 387390 (VCV000387390.17), dbSNP rs768161038, ClinGen allele CA045013.

ClinVar aggregate classification (germline): Conflicting classifications of pathogenicity. Review status: criteria provided, conflicting classifications (1 of 4 stars). 3 submissions from 3 submitters: Uncertain significance (2); Likely benign (1). Last evaluated 2025-07-29.

Conditions:
Arrhythmogenic cardiomyopathy with wooly hair and keratoderma. Also called: Arrhythmogenic cardiomyopathy with woolly hair and keratoderma; Carvajal syndrome; Dilated cardiomyopathy with woolly hair and keratoderma; PALMOPLANTAR KERATODERMA WITH LEFT VENTRICULAR CARDIOMYOPATHY AND WOOLLY HAIR. Identifiers: Orphanet 65282, MedGen C1854063, MONDO:0011581, OMIM 605676.
Arrhythmogenic right ventricular dysplasia 8 (ARVD8). Also called: ARRHYTHMOGENIC RIGHT VENTRICULAR DYSPLASIA, FAMILIAL, 8; ARRHYTHMOGENIC RIGHT VENTRICULAR CARDIOMYOPATHY 8; Arrhythmogenic Right Ventricular Dysplasia/Cardiomyopathy 8. Identifiers: MedGen C1843896, MONDO:0011831, OMIM 607450.
Cardiomyopathy (CMYO). Also called: Cardiomyopathies. Identifiers: Orphanet 167848, MedGen C0878544, MONDO:0004994, HP:0001638. Inheritance: Various modes of inheritance.

Allele frequency attached by ClinVar (database versions not stated): ExAC 0.00003; gnomAD exomes 0.00003.
gnomAD v4.1: 17 of 1,613,694 alleles (0.0011%); highest among the groups gnomAD compares: South Asian, 0.018%; no homozygotes.

Submissions (3):

Labcorp Genetics (formerly Invitae), Labcorp
Classification: Likely benign for Arrhythmogenic cardiomyopathy with wooly hair and keratoderma; Arrhythmogenic right ventricular dysplasia 8. Last evaluated: 2025-07-29. Review status: criteria provided, single submitter. Criteria: Invitae Variant Classification Sherloc (09022015). Collection method: clinical testing. Allele origin: germline.

Color Diagnostics, LLC DBA Color Health
Classification: Uncertain significance for Cardiomyopathy. Last evaluated: 2022-07-25. Review status: criteria provided, single submitter. Criteria: ACMG Guidelines, 2015. Collection method: clinical testing. Allele origin: germline.
Comment: This missense variant replaces cysteine with tyrosine at codon 1805 of the DSP protein. Computational prediction suggests that this variant may not impact protein structure and function (internally defined REVEL score threshold <= 0.5, PMID: 27666373). To our knowledge, functional studies have not been reported for this variant. This variant has not been reported in individuals affected with cardiovascular disorders in the literature. This variant has been identified in 7/251024 chromosomes in the general population by the Genome Aggregation Database (gnomAD). The available evidence is insufficient to determine the role of this variant in disease conclusively. Therefore, this variant is classified as a Variant of Uncertain Significance.

GeneDx
Classification: Uncertain significance. Last evaluated: 2016-07-06. Review status: criteria provided, single submitter. Criteria: GeneDx Variant Classification (06012015). Collection method: clinical testing. Allele origin: germline. Affected: yes.
Comment: A variant of uncertain significance has been identified in the DSP gene. The C1805Y variant has not been published as a pathogenic variant, nor has it been reported as a benign variant to our knowledge. The C1805Y variant was not observed in approximately 6500 individuals of European and African American ancestry in the NHLBI Exome Sequencing Project, indicating it is not a common benign variant in these populations. The C1805Y variant is a non-conservative amino acid substitution, which is likely to impact secondary protein structure as these residues differ in polarity, charge, size and/or other properties. Nevertheless, this substitution occurs at a position that is only conserved in mammals where Tyrosine is typical for multiple other species. In silico analysis is inconsistent in its predictions as to whether or not the variant is damaging to the protein structure/function.Therefore, based on the currently available information, it is unclear whether this variant is pathogenic or rare benign.